The following is an entry in ClinVar:

ClinVar aggregate classification (germline): Uncertain significance (1 of 4 stars; one submission).

Allele frequency attached by ClinVar (database versions not stated): gnomAD exomes below 0.00001.
gnomAD v4.1: 1 of 1,606,664 alleles (0.000062%); highest among the groups gnomAD compares: Non-Finnish European, 0.000085%; no homozygotes.

Submission:

GeneDx
Classification: Uncertain significance. Last evaluated: 2020-01-28. Review status: criteria provided, single submitter. Criteria: GeneDx Variant Classification Process June 2021. Collection method: clinical testing. Allele origin: germline. Affected: yes.
Comment: Not observed in large population cohorts (Lek et al., 2016); In silico analysis supports that this missense variant does not alter protein structure/function; Has not been previously published as pathogenic or benign to our knowledge

NM_003097.6(SNRPN):c.515G>A (p.Arg172Gln)

Genes: SNHG14 (small nucleolar RNA host gene 14; plus strand), SNRPN (small nuclear ribonucleoprotein polypeptide N; plus strand), SNURF (SNRPN upstream open reading frame; plus strand). Cytogenetic location: 15q11.2.
Variant type: single nucleotide variant.
Coding change: c.515G>A on transcript NM_003097.6 (MANE Select); coding-DNA position 515, G replaced by A.
Protein change: p.Arg172Gln; replaces arginine 172 with glutamine.
Molecular consequence: missense variant. On other transcripts: non-coding transcript variant (1), 3 prime UTR variant (1).
Genome position (GRCh38, 1-based): chr15:24,977,872, G>A. VCF-style: chr15-24977872-G-A. GRCh37 (hg19) VCF-style: chr15-25223019-G-A.
Other names: c.515G>A, p.Arg172Gln (NM_001349454.2, NM_001349455.2, NM_001349456.2 and 99 more transcripts); c.527G>A, p.Arg176Gln (NM_001378251.1, NM_001378252.1, NM_001378253.1 and 2 more transcripts); c.491G>A, p.Arg164Gln (NM_001400767.1, NM_001378256.1, NM_001378257.1); c.251G>A, p.Arg84Gln (NM_001400768.1); c.*703G>A (NM_005678.5); short protein forms R164Q, R172Q, R176Q, R84Q.
Identifiers: ClinVar variation 1314780 (VCV001314780.4), dbSNP rs1566978629, ClinGen allele CA391341934.
Genomic context (GRCh38, chr15:24,977,872, plus strand): 5'-CTGCTGCTGTTGCTGCGACTGCCAGTATTGCTGGAGCCCCAACACAGTACCCACCAGGAC[G>A]GGGCACTCCGCCCCCACCCGTCGGCAGAGCAACCCCACCTCCAGGTAAGGGATTGGTGAA-3'
Protein context (NP_003088.1, residues 162-182): AGAPTQYPPG[Arg172Gln]GTPPPPVGRA